The following is an entry in ClinVar:

NM_020458.4(TTC7A):c.2566A>G (p.Arg856Gly)

Gene: TTC7A (tetratricopeptide repeat domain 7A; plus strand). Cytogenetic location: 2p21.
Variant type: single nucleotide variant.
Coding change: c.2566A>G on transcript NM_020458.4 (MANE Select); coding-DNA position 2566, A replaced by G.
Protein change: p.Arg856Gly; replaces arginine 856 with glycine.
Molecular consequence: missense variant.
Genome position (GRCh38, 1-based): chr2:47,073,912, A>G. VCF-style: chr2-47073912-A-G. GRCh37 (hg19) VCF-style: chr2-47301051-A-G.
Other names: c.2638A>G, p.Arg880Gly (NM_001288951.2); c.2464A>G, p.Arg822Gly (NM_001288953.2); c.1504A>G, p.Arg502Gly (NM_001288955.2); short protein forms R502G, R822G, R856G, R880G.
Identifiers: ClinVar variation 1013808 (VCV001013808.9), dbSNP rs1426525943, ClinGen allele CA346718294.

ClinVar aggregate classification (germline): Uncertain significance (1 of 4 stars; one submission).

Conditions:
Multiple gastrointestinal atresias. Also called: Multiple intestinal atresia; FAMILIAL INTESTINAL POLYATRESIA SYNDROME. Identifiers: Orphanet 2300, MedGen C0220744, MONDO:0009465.

Allele frequency attached by ClinVar (database versions not stated): TOPMed below 0.00001; gnomAD 0.00001; gnomAD exomes 0.00001.
gnomAD v4.1: 4 of 1,611,706 alleles (0.00025%); highest among the groups gnomAD compares: Non-Finnish European, 0.00034%; no homozygotes.

Submission:

Labcorp Genetics (formerly Invitae), Labcorp
Classification: Uncertain significance for Multiple gastrointestinal atresias. Last evaluated: 2020-06-26. Review status: criteria provided, single submitter. Criteria: Invitae Variant Classification Sherloc (09022015). Collection method: clinical testing. Allele origin: germline.
Comment: In summary, the available evidence is currently insufficient to determine the role of this variant in disease. Therefore, it has been classified as a Variant of Uncertain Significance. Algorithms developed to predict the effect of missense changes on protein structure and function are either unavailable or do not agree on the potential impact of this missense change (SIFT: "Deleterious"; PolyPhen-2: "Probably Damaging"; Align-GVGD: "Class C0"). This variant has not been reported in the literature in individuals with TTC7A-related conditions. This variant is not present in population databases (ExAC no frequency). This sequence change replaces arginine with glycine at codon 856 of the TTC7A protein (p.Arg856Gly). The arginine residue is moderately conserved and there is a moderate physicochemical difference between arginine and glycine.